The following is an entry in ClinVar:

NM_001001331.4(ATP2B2):c.2136+1G>A

Gene: ATP2B2 (ATPase plasma membrane Ca2+ transporting 2; minus strand). Cytogenetic location: 3p25.3.
Variant type: single nucleotide variant.
Coding change: c.2136+1G>A on transcript NM_001001331.4 (MANE Select); the canonical splice donor site of the intron after coding-DNA position 2136, G replaced by A.
Molecular consequence: splice donor variant.
Genome position (GRCh38, 1-based): chr3:10,358,690, C>T on the plus strand (G>A on the coding strand, the complement: ATP2B2 is on the minus strand). VCF-style: chr3-10358690-C-T. GRCh37 (hg19) VCF-style: chr3-10400374-C-T.
Other names: c.2001+1G>A (NM_001353564.1, NM_001683.5, NM_001330611.3 and 1 more transcripts).
Identifiers: ClinVar variation 489114 (VCV000489114.14), dbSNP rs1553652886, ClinGen allele CA351780194.

ClinVar aggregate classification (germline): Pathogenic/Likely pathogenic. Review status: criteria provided, multiple submitters, no conflicts (2 of 4 stars). 2 submissions from 2 submitters: Pathogenic (1); Likely pathogenic (1). Last evaluated 2026-07-03.

Allele frequency attached by ClinVar (database versions not stated): gnomAD exomes below 0.00001.
gnomAD v4.1: 1 of 1,614,158 alleles (0.000062%); highest among the groups gnomAD compares: East Asian, 0.0022%; no homozygotes.

Submissions (2):

GeneDx
Classification: Pathogenic. Last evaluated: 2026-07-03. Review status: criteria provided, single submitter. Criteria: GeneDx Variant Classification Process June 2021. Collection method: clinical testing. Allele origin: germline.
Comment: Canonical splice site variant predicted to result in a null allele in a gene for which loss of function is a known mechanism of disease; Not observed at significant frequency in large population cohorts (gnomAD); Has not been previously published as pathogenic or benign to our knowledge

Labcorp Genetics (formerly Invitae), Labcorp
Classification: Likely pathogenic. Last evaluated: 2021-01-13. Review status: criteria provided, single submitter. Criteria: Invitae Variant Classification Sherloc (09022015). Collection method: clinical testing. Allele origin: germline.
Comment: In summary, the currently available evidence indicates that the variant is pathogenic, but additional data are needed to prove that conclusively. Therefore, this variant has been classified as Likely Pathogenic. Algorithms developed to predict the effect of sequence changes on RNA splicing suggest that this variant may disrupt the consensus splice site, but this prediction has not been confirmed by published transcriptional studies. This sequence change affects a donor splice site in intron 11 of the ATP2B2 gene. It is expected to disrupt RNA splicing. Variants that disrupt the donor or acceptor splice site typically lead to a loss of protein function (PMID: 16199547), and loss-of-function variants in ATP2B2 are known to be pathogenic (PMID: 30535804). This variant is not present in population databases (ExAC no frequency). This variant has not been reported in the literature in individuals with ATP2B2-related conditions. ClinVar contains an entry for this variant (Variation ID: 489114).

Literature cited by the submitters: PubMed 16199547 (cited by Labcorp Genetics (formerly Invitae), Labcorp); PubMed 30535804 (cited by Labcorp Genetics (formerly Invitae), Labcorp).